The following is an entry in ClinVar:

NM_015690.5(STK36):c.454A>G (p.Thr152Ala)

Gene: STK36 (serine/threonine kinase 36; plus strand). Cytogenetic location: 2q35.
Variant type: single nucleotide variant.
Coding change: c.454A>G on transcript NM_015690.5 (MANE Select); coding-DNA position 454, A replaced by G.
Protein change: p.Thr152Ala; replaces threonine 152 with alanine.
Molecular consequence: missense variant.
Genome position (GRCh38, 1-based): chr2:218,676,048, A>G. VCF-style: chr2-218676048-A-G. GRCh37 (hg19) VCF-style: chr2-219540771-A-G.
Other names: c.454A>G (NM_015690.4); c.454A>G, p.Thr152Ala (NM_001243313.2, NM_001369423.1); short protein forms T152A.
Identifiers: ClinVar variation 2504129 (VCV002504129.3), dbSNP rs147587613, ClinGen allele CA2110497.

ClinVar aggregate classification (germline): Uncertain significance. Review status: criteria provided, multiple submitters, no conflicts (2 of 4 stars). 2 submissions from 2 submitters: Uncertain significance (2). Last evaluated 2024-12-30.

Allele frequency attached by ClinVar (database versions not stated): gnomAD exomes 0.00002; ExAC 0.00003; gnomAD 0.00013; TOPMed 0.00015; ESP Exome Variant Server 0.00031.
gnomAD v4.1: 48 of 1,613,924 alleles (0.003%); highest among the groups gnomAD compares: African/African-American, 0.048%; no homozygotes.

Submissions (2):

Ambry Genetics
Classification: Uncertain significance. Last evaluated: 2024-12-30. Review status: criteria provided, single submitter. Criteria: Ambry Variant Classification Scheme 2023. Collection method: clinical testing. Allele origin: germline.

Centre of Medical Genetics, University Hospital Muenster
Classification: Uncertain significance. Last evaluated: 2023-04-04. Review status: criteria provided, single submitter. Criteria: ACMG Guidelines, 2015. Collection method: clinical testing. Allele origin: unknown. Affected: yes. Observed: 1 variant allele, 1 heterozygote.
Comment: ACMG categories: PM1,PM2